The following is an entry in ClinVar:

ClinVar aggregate classification (germline): Uncertain significance. Review status: criteria provided, multiple submitters, no conflicts (2 of 4 stars). 2 submissions from 2 submitters: Uncertain significance (2). Last evaluated 2024-08-27.

Conditions:
Glycogen storage disease, type V (GSD5). Also called: McArdle type glycogen storage disease; MCARDLE DISEASE; MUSCLE GLYCOGEN PHOSPHORYLASE DEFICIENCY; MYOPHOSPHORYLASE DEFICIENCY; PYGM DEFICIENCY. Identifiers: Orphanet 368, MedGen C0017924, MONDO:0009293, OMIM 232600.

Allele frequency attached by ClinVar (database versions not stated): gnomAD exomes below 0.00001.
gnomAD v4.1: 2 of 1,614,026 alleles (0.00012%); highest among the groups gnomAD compares: Non-Finnish European, 0.00017%; no homozygotes.

Submissions (2):

Revvity Omics, Revvity
Classification: Uncertain significance for Glycogen storage disease, type V. Last evaluated: 2024-08-27. Review status: criteria provided, single submitter. Criteria: ACMG Guidelines, 2015. Collection method: clinical testing. Allele origin: germline.

GeneDx
Classification: Uncertain significance. Last evaluated: 2017-04-24. Review status: criteria provided, single submitter. Criteria: GeneDx Variant Classification (06012015). Collection method: clinical testing. Allele origin: germline. Affected: yes.
Comment: A variant of uncertain significance has been identified in the PYGM gene. The L722R variant has not been published as a pathogenic variant, nor has it been reported as a benign variant to our knowledge. The L722R variant is not observed in large population cohorts (Lek et al., 2016; 1000 Genomes Consortium et al., 2015; Exome Variant Server). This substitution occurs at a position where amino acids with similar properties to Leucine are tolerated across species. However, the L722R variant is a non-conservative amino acid substitution, which is likely to impact secondary protein structure as these residues differ in polarity, charge, size and/or other properties. In silico analysis predicts this variant is probably damaging to the protein structure/function. Therefore, based on the currently available information, it is unclear whether this variant is a pathogenic variant or a rare benign variant.

NM_005609.4(PYGM):c.2165T>G (p.Leu722Arg)

Gene: PYGM (glycogen phosphorylase, muscle associated; minus strand). Cytogenetic location: 11q13.1.
Variant type: single nucleotide variant.
Coding change: c.2165T>G on transcript NM_005609.4 (MANE Select); coding-DNA position 2165, T replaced by G.
Protein change: p.Leu722Arg; replaces leucine 722 with arginine.
Molecular consequence: missense variant.
Genome position (GRCh38, 1-based): chr11:64,750,388, A>C on the plus strand (T>G on the coding strand, the complement: PYGM is on the minus strand). VCF-style: chr11-64750388-A-C. GRCh37 (hg19) VCF-style: chr11-64517860-A-C.
Other names: c.1901T>G, p.Leu634Arg (NM_001164716.1); short protein forms L722R, L634R.
Identifiers: ClinVar variation 429221 (VCV000429221.3), dbSNP rs1131691265, ClinGen allele CA381167508.